The following is an entry in ClinVar:

NM_003737.4(DCHS1):c.4439A>T (p.Glu1480Val)

Gene: DCHS1 (dachsous cadherin-related 1; minus strand). Cytogenetic location: 11p15.4.
Variant type: single nucleotide variant.
Coding change: c.4439A>T on transcript NM_003737.4 (MANE Select); coding-DNA position 4439, A replaced by T.
Protein change: p.Glu1480Val; replaces glutamic acid 1480 with valine.
Molecular consequence: missense variant.
Genome position (GRCh38, 1-based): chr11:6,630,355, T>A on the plus strand (A>T on the coding strand, the complement: DCHS1 is on the minus strand). VCF-style: chr11-6630355-T-A. GRCh37 (hg19) VCF-style: chr11-6651586-T-A.
Other names: short protein forms E1480V.
Identifiers: ClinVar variation 2168790 (VCV002168790.4), dbSNP rs569089566, ClinGen allele CA5860334.

ClinVar aggregate classification (germline): Uncertain significance (1 of 4 stars; one submission).

Allele frequency attached by ClinVar (database versions not stated): TOPMed 0.00001; gnomAD exomes 0.00003; gnomAD 0.00004; 1000 Genomes Project 30x 0.00031; ExAC 0.00064; 1000 Genomes Project 0.00140.
gnomAD v4.1: 38 of 1,315,812 alleles (0.0029%); highest among the groups gnomAD compares: South Asian, 0.068%; 1 homozygote.

Submission:

Labcorp Genetics (formerly Invitae), Labcorp
Classification: Uncertain significance. Last evaluated: 2025-12-08. Review status: criteria provided, single submitter. Criteria: Invitae Variant Classification Sherloc (09022015). Collection method: clinical testing. Allele origin: germline.
Comment: This sequence change replaces glutamic acid, which is acidic and polar, with valine, which is neutral and non-polar, at codon 1480 of the DCHS1 protein (p.Glu1480Val). This variant is present in population databases (rs569089566, gnomAD 0.04%). This variant has not been reported in the literature in individuals affected with DCHS1-related conditions. ClinVar contains an entry for this variant (Variation ID: 2168790). Invitae Evidence Modeling of protein sequence and biophysical properties (such as structural, functional, and spatial information, amino acid conservation, physicochemical variation, residue mobility, and thermodynamic stability) has been performed for this missense variant. However, the output from this modeling did not meet the statistical confidence thresholds required to predict the impact of this variant on DCHS1 protein function. In summary, the available evidence is currently insufficient to determine the role of this variant in disease. Therefore, it has been classified as a Variant of Uncertain Significance.